The following is an entry in ClinVar:

ClinVar aggregate classification (germline): Uncertain significance. Review status: criteria provided, multiple submitters, no conflicts (2 of 4 stars). 2 submissions from 2 submitters: Uncertain significance (2). Last evaluated 2025-11-03.

Conditions:
Cardiovascular phenotype. Identifiers: MedGen CN230736.
Myofibrillar myopathy 5. Also called: FILAMINOPATHY, AUTOSOMAL DOMINANT; Filaminopathy (type). Identifiers: Orphanet 171445, MedGen C1836050, MONDO:0012289, OMIM 609524.
Distal myopathy with posterior leg and anterior hand involvement. Also called: WILLIAMS DISTAL MYOPATHY. Identifiers: Orphanet 63273, MedGen C3279722, MONDO:0013550, OMIM 614065.
Hypertrophic cardiomyopathy 26. Also called: Cardiomyopathy, familial hypertrophic, 26. Identifiers: Orphanet 75249, MedGen C4310749, MONDO:0014883, OMIM 617047.

Allele frequency attached by ClinVar (database versions not stated): gnomAD 0.00001; TOPMed 0.00001.
gnomAD v4.1: 2 of 1,613,146 alleles (0.00012%); highest among the groups gnomAD compares: Non-Finnish European, 0.00017%; no homozygotes.

Submissions (2):

Labcorp Genetics (formerly Invitae), Labcorp
Classification: Uncertain significance for Distal myopathy with posterior leg and anterior hand involvement; Myofibrillar myopathy 5; Hypertrophic cardiomyopathy 26. Last evaluated: 2025-11-03. Review status: criteria provided, single submitter. Criteria: Invitae Variant Classification Sherloc (09022015). Collection method: clinical testing. Allele origin: germline.
Comment: This sequence change replaces asparagine, which is neutral and polar, with serine, which is neutral and polar, at codon 197 of the FLNC protein (p.Asn197Ser). This variant is not present in population databases (gnomAD no frequency). This variant has not been reported in the literature in individuals affected with FLNC-related conditions. ClinVar contains an entry for this variant (Variation ID: 836402). Invitae Evidence Modeling of protein sequence and biophysical properties (such as structural, functional, and spatial information, amino acid conservation, physicochemical variation, residue mobility, and thermodynamic stability) has been performed for this missense variant. However, the output from this modeling did not meet the statistical confidence thresholds required to predict the impact of this variant on FLNC protein function. In summary, the available evidence is currently insufficient to determine the role of this variant in disease. Therefore, it has been classified as a Variant of Uncertain Significance.

Ambry Genetics
Classification: Uncertain significance for Cardiovascular phenotype. Last evaluated: 2021-10-29. Review status: criteria provided, single submitter. Criteria: Ambry Variant Classification Scheme 2023. Collection method: clinical testing. Allele origin: germline.
Comment: The p.N197S variant (also known as c.590A>G), located in coding exon 2 of the FLNC gene, results from an A to G substitution at nucleotide position 590. The asparagine at codon 197 is replaced by serine, an amino acid with highly similar properties. This amino acid position is conserved. In addition, this alteration is predicted to be tolerated by in silico analysis. Since supporting evidence is limited at this time, the clinical significance of this alteration remains unclear.

NM_001458.5(FLNC):c.590A>G (p.Asn197Ser)

Gene: FLNC (filamin C; plus strand). Cytogenetic location: 7q32.1.
Variant type: single nucleotide variant.
Coding change: c.590A>G on transcript NM_001458.5 (MANE Select); coding-DNA position 590, A replaced by G.
Protein change: p.Asn197Ser; replaces asparagine 197 with serine.
Molecular consequence: missense variant.
Genome position (GRCh38, 1-based): chr7:128,835,563, A>G. VCF-style: chr7-128835563-A-G. GRCh37 (hg19) VCF-style: chr7-128475617-A-G.
Other names: c.590A>G, p.Asn197Ser (NM_001127487.2); short protein forms N197S.
Identifiers: ClinVar variation 836402 (VCV000836402.12), dbSNP rs1008787584, ClinGen allele CA166212965.
Genomic context (GRCh38, chr7:128,835,563, plus strand): 5'-CCATCACCAACTTCAACCGTGACTGGCAGGACGGCAAAGCTCTGGGCGCCCTGGTGGACA[A>G]CTGCGCCCCCGGTGAGTGGGCCAGTGAGCACAGCATGGAGCCCTTAGCTCCCAAAGACAG-3'
Protein context (NP_001449.3, residues 187-207): DGKALGALVD[Asn197Ser]CAPGLCPDWE